The following is an entry in ClinVar:

ClinVar aggregate classification (germline): Uncertain significance. Review status: criteria provided, multiple submitters, no conflicts (2 of 4 stars). 2 submissions from 2 submitters: Uncertain significance (2). Last evaluated 2026-04-12.

Conditions:
Thrombocytopenia 2 (THC2). Also called: ANKRD26-Related Thrombocytopenia. Identifiers: Orphanet 268322, MedGen C1861185, MONDO:0008555, OMIM 188000.
Inborn genetic diseases. Identifiers: MedGen C0950123, MeSH D030342.

gnomAD v4.1: 3 of 1,612,604 alleles (0.00019%); highest among the groups gnomAD compares: Non-Finnish European, 0.00025%; no homozygotes.

Submissions (2):

Dasa
Classification: Uncertain significance for Thrombocytopenia 2. Last evaluated: 2026-04-12. Review status: criteria provided, single submitter. Criteria: DASA Assertion Criteria. Collection method: clinical testing. Allele origin: germline.
Comment: NM_014915.3(ANKRD26):c.3911C>T (p.Thr1304Ile) is a missense variant that results in the substitution of threonine with isoleucine. This variant is rare in population databases. The currently available literature and clinical evidence are not sufficient to establish a definitive association between this variant and the reported condition. Therefore, this variant is classified as a variant of uncertain significance.

Ambry Genetics
Classification: Uncertain significance for Inborn genetic diseases. Last evaluated: 2025-06-10. Review status: criteria provided, single submitter. Criteria: Ambry Variant Classification Scheme 2023. Collection method: clinical testing. Allele origin: germline.
Comment: The p.T1304I variant (also known as c.3911C>T), located in coding exon 27 of the ANKRD26 gene, results from a C to T substitution at nucleotide position 3911. The threonine at codon 1304 is replaced by isoleucine, an amino acid with similar properties. This amino acid position is conserved. In addition, this alteration is predicted to be tolerated by in silico analysis. Based on the available evidence, the clinical significance of this variant remains unclear.

NM_014915.3(ANKRD26):c.3911C>T (p.Thr1304Ile)

Gene: ANKRD26 (ankyrin repeat domain 26; minus strand). Cytogenetic location: 10p12.1.
Variant type: single nucleotide variant.
Coding change: c.3911C>T on transcript NM_014915.3 (MANE Select); coding-DNA position 3911, C replaced by T.
Protein change: p.Thr1304Ile; replaces threonine 1304 with isoleucine.
Molecular consequence: missense variant.
Genome position (GRCh38, 1-based): chr10:27,028,913, G>A on the plus strand (C>T on the coding strand, the complement: ANKRD26 is on the minus strand). VCF-style: chr10-27028913-G-A. GRCh37 (hg19) VCF-style: chr10-27317842-G-A.
Other names: c.3908C>T, p.Thr1303Ile (NM_001256053.2); short protein forms T1303I, T1304I.
Identifiers: ClinVar variation 3915242 (VCV003915242.3).